The following is an entry in ClinVar:

NM_194248.3(OTOF):c.2296G>T (p.Glu766Ter)

Genes: OTOF (otoferlin; minus strand), LOC129933334 (ATAC-STARR-seq lymphoblastoid active region 15473; plus strand). Cytogenetic location: 2p23.3.
Variant type: single nucleotide variant.
Coding change: c.2296G>T on transcript NM_194248.3 (MANE Select); coding-DNA position 2296, G replaced by T.
Protein change: p.Glu766Ter; replaces glutamic acid 766 with a stop codon.
Molecular consequence: nonsense.
Genome position (GRCh38, 1-based): chr2:26,477,668, C>A on the plus strand (G>T on the coding strand, the complement: OTOF is on the minus strand). VCF-style: chr2-26477668-C-A. GRCh37 (hg19) VCF-style: chr2-26700536-C-A.
Other names: c.2296G>T, p.Glu766Ter (NM_001287489.2); c.55G>T, p.Glu19Ter (NM_004802.4, NM_194323.3); c.226G>T, p.Glu76Ter (NM_194322.3); short protein forms E19*, E76*, E766*.
Identifiers: ClinVar variation 3601529 (VCV003601529.1).

ClinVar aggregate classification (germline): Likely pathogenic (1 of 4 stars; one submission).

Conditions:
Autosomal recessive nonsyndromic hearing loss 9. Also called: NEUROSENSORY NONSYNDROMIC RECESSIVE DEAFNESS 9; OTOF-Related Hearing Loss; Deafness, autosomal recessive 9; AUDITORY NEUROPATHY, AUTOSOMAL RECESSIVE, 1, TEMPERATURE-SENSITIVE. Identifiers: Orphanet 90636, MedGen C1832828, MONDO:0010986, OMIM 601071.

gnomAD v4.1: 1 of 1,612,524 alleles (0.000062%); no homozygotes.

Submission:

Institute of Rare Diseases, West China Hospital, Sichuan University
Classification: Likely pathogenic for Autosomal recessive nonsyndromic hearing loss 9. Last evaluated: 2025-01-09. Review status: criteria provided, single submitter. Criteria: ClinGen HL ACMG Specifications v1. Collection method: research. Allele origin: germline. Affected: yes.
Comment: PVS1;PM2_Supporting